The following is an entry in ClinVar:

NM_006397.3(RNASEH2A):c.441G>T (p.Glu147Asp)

Gene: RNASEH2A (ribonuclease H2 subunit A; plus strand). Cytogenetic location: 19p13.13.
Variant type: single nucleotide variant.
Coding change: c.441G>T on transcript NM_006397.3 (MANE Select); coding-DNA position 441, G replaced by T.
Protein change: p.Glu147Asp; replaces glutamic acid 147 with aspartic acid.
Molecular consequence: missense variant.
Genome position (GRCh38, 1-based): chr19:12,810,100, G>T. VCF-style: chr19-12810100-G-T. GRCh37 (hg19) VCF-style: chr19-12920914-G-T.
Other names: c.441G>T (NM_006397.2); short protein forms E147D.
Identifiers: ClinVar variation 1395919 (VCV001395919.7), dbSNP rs772640456, ClinGen allele CA305493127.

ClinVar aggregate classification (germline): Uncertain significance. Review status: criteria provided, multiple submitters, no conflicts (2 of 4 stars). 2 submissions from 2 submitters: Uncertain significance (2). Last evaluated 2025-03-30.

Conditions:
Inborn genetic diseases. Identifiers: MedGen C0950123, MeSH D030342.
Aicardi-Goutieres syndrome 4. Identifiers: Orphanet 51, MedGen C1835912, MONDO:0012472, OMIM 610333.

Submissions (2):

Ambry Genetics
Classification: Uncertain significance for Inborn genetic diseases. Last evaluated: 2025-03-30. Review status: criteria provided, single submitter. Criteria: Ambry Variant Classification Scheme 2023. Collection method: clinical testing. Allele origin: germline.

Labcorp Genetics (formerly Invitae), Labcorp
Classification: Uncertain significance for Aicardi-Goutieres syndrome 4. Last evaluated: 2022-07-13. Review status: criteria provided, single submitter. Criteria: Invitae Variant Classification Sherloc (09022015). Collection method: clinical testing. Allele origin: germline.
Comment: This sequence change replaces glutamic acid, which is acidic and polar, with aspartic acid, which is acidic and polar, at codon 147 of the RNASEH2A protein (p.Glu147Asp). This variant is not present in population databases (gnomAD no frequency). This variant has not been reported in the literature in individuals affected with RNASEH2A-related conditions. ClinVar contains an entry for this variant (Variation ID: 1395919). Algorithms developed to predict the effect of missense changes on protein structure and function output the following: SIFT: "Tolerated"; PolyPhen-2: "Benign"; Align-GVGD: "Class C0". The aspartic acid amino acid residue is found in multiple mammalian species, which suggests that this missense change does not adversely affect protein function. In summary, the available evidence is currently insufficient to determine the role of this variant in disease. Therefore, it has been classified as a Variant of Uncertain Significance.